The following is an entry in ClinVar:

ClinVar aggregate classification (germline): Likely benign (1 of 4 stars; one submission).

Submission:

ARUP Laboratories, Molecular Genetics and Genomics, ARUP Laboratories
Classification: Likely benign. Last evaluated: 2017-10-26. Review status: criteria provided, single submitter. Criteria: ARUP Molecular Germline Variant Investigation Process. Collection method: clinical testing. Allele origin: germline.
Comment: The c.495T>C variant has not been reported in the medical literature, is not listed in gene-specific variant databases, nor has it been previously identified in our laboratory. It is also absent from general population databases such as 1000 Genomes, the NHLBI GO Exome Sequencing Project (ESP), and the Genome Aggregation Database (gnomAD) browser. The thymine at codon 495 is not conserved (phyloP: -0.76), and computational analyses predict that this variant will not alter splicing (Alamut software v2.10.0). Based on the available evidence, the c.495T>C variant is classified as likely benign.

NM_000355.4(TCN2):c.495T>C (p.Cys165=)

Gene: TCN2 (transcobalamin 2; plus strand). Cytogenetic location: 22q12.2.
Variant type: single nucleotide variant.
Coding change: c.495T>C on transcript NM_000355.4 (MANE Select); coding-DNA position 495, T replaced by C.
Protein change: p.Cys165=; no amino-acid change (cysteine 165 retained).
Molecular consequence: synonymous variant.
Genome position (GRCh38, 1-based): chr22:30,614,416, T>C. VCF-style: chr22-30614416-T-C. GRCh37 (hg19) VCF-style: chr22-31010403-T-C.
Other names: c.414T>C, p.Cys138= (NM_001184726.2).
Identifiers: ClinVar variation 618418 (VCV000618418.8), dbSNP rs1569040542, ClinGen allele CA514221196.
Genomic context (GRCh38, chr22:30,614,416, plus strand): 5'-TCACAAGGGCCACCCCCACACTAGCTACTACCAGTATGGCCTGGGCATTCTGGCCCTGTG[T>C]CTCCACCAGAAGCGGGTCCATGACAGCGTGGTGGACAAACTTCTGTATGCTGTGGAACCT-3'
Protein context (NP_000346.2, residues 155-175): YQYGLGILAL[Cys165=]LHQKRVHDSV